The following is an entry in ClinVar:

ClinVar aggregate classification (germline): Conflicting classifications of pathogenicity. Review status: criteria provided, conflicting classifications (1 of 4 stars). 5 submissions from 5 submitters: Uncertain significance (3); Likely benign (1). 1 of the submissions does not count toward it. Last evaluated 2024-05-02.

Conditions:
CEP164-related disorder. Also called: CEP164-related condition.
Nephronophthisis 15 (NPHP15). Identifiers: Orphanet 3156, MedGen C3541853, MONDO:0013917, OMIM 614845.

Allele frequency attached by ClinVar (database versions not stated): gnomAD exomes 0.00005 and 0.00014; ExAC 0.00023; gnomAD 0.00052 and 0.00056; TOPMed 0.00062; ESP Exome Variant Server 0.00069.
gnomAD v4.1: 150 of 1,611,810 alleles (0.0093%); highest among the groups gnomAD compares: African/African-American, 0.16%; no homozygotes.

Submissions (5):

Fulgent Genetics
Classification: Uncertain significance for Nephronophthisis 15. Last evaluated: 2024-05-02. Review status: criteria provided, single submitter. Criteria: ACMG Guidelines, 2015. Collection method: clinical testing. Allele origin: germline.

Blueprint Genetics
Classification: Likely benign. Last evaluated: 2023-09-08. Review status: criteria provided, single submitter. Criteria: ACMG Guidelines, 2015. Collection method: clinical testing. Allele origin: germline.

Labcorp Genetics (formerly Invitae), Labcorp
Classification: Uncertain significance for Nephronophthisis 15. Last evaluated: 2022-10-17. Review status: criteria provided, single submitter. Criteria: Invitae Variant Classification Sherloc (09022015). Collection method: clinical testing. Allele origin: germline.
Comment: This sequence change replaces leucine, which is neutral and non-polar, with valine, which is neutral and non-polar, at codon 888 of the CEP164 protein (p.Leu888Val). This variant is present in population databases (rs142044303, gnomAD 0.2%). This variant has not been reported in the literature in individuals affected with CEP164-related conditions. ClinVar contains an entry for this variant (Variation ID: 420952). Advanced modeling of protein sequence and biophysical properties (such as structural, functional, and spatial information, amino acid conservation, physicochemical variation, residue mobility, and thermodynamic stability) performed at Invitae indicates that this missense variant is not expected to disrupt CEP164 protein function. In summary, the available evidence is currently insufficient to determine the role of this variant in disease. Therefore, it has been classified as a Variant of Uncertain Significance.

GeneDx
Classification: Uncertain significance. Last evaluated: 2016-04-15. Review status: criteria provided, single submitter. Criteria: GeneDx Variant Classification (06012015). Collection method: clinical testing. Allele origin: germline. Affected: yes.
Comment: The L888V variant in the CEP164 gene has not been reported previously as a pathogenic variant, nor as a benign variant, to our knowledge. The L888V variant was not observed with a significant frequency in approximately 6,500 individuals of European and African American ancestry in the NHLBI Exome Sequencing Project, indicating it is not a common benign variant in these populations. The L888V variant is a conservative amino acid substitution, which is not likely to impact secondary protein structure as these residues share similar properties. This substitution occurs at a position where amino acids with similar properties to Leucine are tolerated across species. In silico analysis is inconsistent in its predictions as to whether or not the variant is damaging to the protein structure/function. We interpret L888V as a variant of uncertain significance.

PreventionGenetics, part of Exact Sciences
Classification: Likely benign for CEP164-related condition. Last evaluated: 2024-09-01. Review status: no assertion criteria provided. Collection method: clinical testing. Allele origin: germline. Not counted in ClinVar's aggregate classification.
Comment: This variant is classified as likely benign based on ACMG/AMP sequence variant interpretation guidelines (Richards et al. 2015 PMID: 25741868, with internal and published modifications).

NM_014956.5(CEP164):c.2662C>G (p.Leu888Val)

Gene: CEP164 (centrosomal protein 164; plus strand). Cytogenetic location: 11q23.3.
Variant type: single nucleotide variant.
Coding change: c.2662C>G on transcript NM_014956.5 (MANE Select); coding-DNA position 2662, C replaced by G.
Protein change: p.Leu888Val; replaces leucine 888 with valine.
Molecular consequence: missense variant.
Genome position (GRCh38, 1-based): chr11:117,394,395, C>G. VCF-style: chr11-117394395-C-G. GRCh37 (hg19) VCF-style: chr11-117265111-C-G.
Other names: c.2671C>G, p.Leu891Val (NM_001271933.2); short protein forms L888V, L891V.
Identifiers: ClinVar variation 420952 (VCV000420952.10), dbSNP rs142044303, ClinGen allele CA6295177.